The following is an entry in ClinVar:

NM_004370.6(COL12A1):c.3562T>C (p.Ser1188Pro)

Gene: COL12A1 (collagen type XII alpha 1 chain; minus strand). Cytogenetic location: 6q13.
Variant type: single nucleotide variant.
Coding change: c.3562T>C on transcript NM_004370.6 (MANE Select); coding-DNA position 3562, T replaced by C.
Protein change: p.Ser1188Pro; replaces serine 1188 with proline.
Molecular consequence: missense variant. On other transcripts: intron variant (1).
Genome position (GRCh38, 1-based): chr6:75,154,419, A>G on the plus strand (T>C on the coding strand, the complement: COL12A1 is on the minus strand). VCF-style: chr6-75154419-A-G. GRCh37 (hg19) VCF-style: chr6-75864135-A-G.
Other names: c.74-1937T>C (NM_080645.3); short protein forms S1188P.
Identifiers: ClinVar variation 953196 (VCV000953196.10), dbSNP rs1190415160, ClinGen allele CA364751092.
Genomic context (GRCh38, chr6:75,154,419, plus strand): 5'-ACATTTGAAATAGTTTCCTAAGTTGTTTTCCTCAAGGAATGTAACTCAATTTCTTACCAG[A>G]AGATAAAATTGGCATAACAGTTGTGTCGGAAAGGGTTGTCATTTCTTGTCCAACAAGTGG-3'
Protein context (NP_004361.3, residues 1178-1198): SDTTVMPILS[Ser1188Pro]GMECLTRAEA

ClinVar aggregate classification (germline): Uncertain significance (1 of 4 stars; one submission).

Conditions:
Ullrich congenital muscular dystrophy 2 (UCMD2). Identifiers: Orphanet 75840, MedGen C4225314, MONDO:0014654, OMIM 616470.
Bethlem myopathy 2 (BTHLM2). Identifiers: Orphanet 536516, Orphanet 610, MedGen C4225313, MONDO:0034022, OMIM 616471.

Allele frequency attached by ClinVar (database versions not stated): gnomAD exomes below 0.00001.
gnomAD v4.1: 1 of 1,611,326 alleles (0.000062%); highest among the groups gnomAD compares: Admixed American, 0.0017%; no homozygotes.

Submission:

Labcorp Genetics (formerly Invitae), Labcorp
Classification: Uncertain significance for Bethlem myopathy 2; Ullrich congenital muscular dystrophy 2. Last evaluated: 2024-02-14. Review status: criteria provided, single submitter. Criteria: Invitae Variant Classification Sherloc (09022015). Collection method: clinical testing. Allele origin: germline.
Comment: This sequence change replaces serine, which is neutral and polar, with proline, which is neutral and non-polar, at codon 1188 of the COL12A1 protein (p.Ser1188Pro). This variant is present in population databases (no rsID available, gnomAD 0.003%). This variant has not been reported in the literature in individuals affected with COL12A1-related conditions. ClinVar contains an entry for this variant (Variation ID: 953196). Advanced modeling of protein sequence and biophysical properties (such as structural, functional, and spatial information, amino acid conservation, physicochemical variation, residue mobility, and thermodynamic stability) performed at Invitae indicates that this missense variant is not expected to disrupt COL12A1 protein function with a negative predictive value of 80%. In summary, the available evidence is currently insufficient to determine the role of this variant in disease. Therefore, it has been classified as a Variant of Uncertain Significance.